The following is an entry in ClinVar:

NM_000257.4(MYH7):c.3854-1G>T

Gene: MYH7 (myosin heavy chain 7; minus strand). Cytogenetic location: 14q11.2.
Variant type: single nucleotide variant.
Coding change: c.3854-1G>T on transcript NM_000257.4 (MANE Select); the canonical splice acceptor site of the intron before coding-DNA position 3854, G replaced by T.
Molecular consequence: splice acceptor variant.
Genome position (GRCh38, 1-based): chr14:23,419,296, C>A on the plus strand (G>T on the coding strand, the complement: MYH7 is on the minus strand). VCF-style: chr14-23419296-C-A. GRCh37 (hg19) VCF-style: chr14-23888505-C-A.
Other names: c.3854-1G>T (NM_001407004.1).
Identifiers: ClinVar variation 927065 (VCV000927065.3), dbSNP rs1892364786, ClinGen allele CA389041817.
Genomic context (GRCh38, chr14:23,419,296, plus strand): 5'-TGCCTCGGGTCAGCTGGGAGATCAGTGCCTCCTTCTCATCCAGCTGCCGGGACAGCTCAC[C>A]TGGGGAAGCACCATTCTAGATCAGCACTCCTCTCTATCCCCACCTCCTCCTCTAGCCCTC-3'

ClinVar aggregate classification (germline): Uncertain significance (1 of 4 stars; one submission).

Conditions:
Cardiomyopathy (CMYO). Also called: Cardiomyopathies. Identifiers: Orphanet 167848, MedGen C0878544, MONDO:0004994, HP:0001638. Inheritance: Various modes of inheritance.

Submission:

Color Diagnostics, LLC DBA Color Health
Classification: Uncertain significance for Cardiomyopathy. Last evaluated: 2019-08-21. Review status: criteria provided, single submitter. Criteria: ACMG Guidelines, 2015. Collection method: clinical testing. Allele origin: germline.
Comment: This variant causes a G>T nucleotide substitution at the -1 position of intron 28 of the MYH7 gene. Splice site prediction tools predict that this variant may have a significant impact on RNA splicing. To our knowledge, functional studies have not been performed for this variant. This variant has not been reported in individuals affected with cardiovascular disorders in the literature. This variant has not been identified in the general population by the Genome Aggregation Database (gnomAD). The available evidence is insufficient to determine the role of this variant in disease conclusively. Therefore, this variant is classified as a Variant of Uncertain Significance.